The following is an entry in ClinVar:

NM_001999.4(FBN2):c.1301C>G (p.Pro434Arg)

Gene: FBN2 (fibrillin 2; minus strand). Cytogenetic location: 5q23.3.
Variant type: single nucleotide variant.
Coding change: c.1301C>G on transcript NM_001999.4 (MANE Select); coding-DNA position 1301, C replaced by G.
Protein change: p.Pro434Arg; replaces proline 434 with arginine.
Molecular consequence: missense variant.
Genome position (GRCh38, 1-based): chr5:128,393,299, G>C on the plus strand (C>G on the coding strand, the complement: FBN2 is on the minus strand). VCF-style: chr5-128393299-G-C. GRCh37 (hg19) VCF-style: chr5-127728992-G-C.
Other names: short protein forms P434R.
Identifiers: ClinVar variation 1307170 (VCV001307170.3), dbSNP rs761606981, ClinGen allele CA3395824.

ClinVar aggregate classification (germline): Conflicting classifications of pathogenicity. Review status: criteria provided, conflicting classifications (1 of 4 stars). 2 submissions from 2 submitters: Uncertain significance (1); Likely benign (1). Last evaluated 2026-04-03.

Conditions:
Congenital contractural arachnodactyly (CCA). Also called: BEALS SYNDROME; Beals-Hecht syndrome; Arthrogryposis, distal, type 9. Identifiers: Orphanet 115, MedGen C0220668, MONDO:0007363, OMIM 121050.

Allele frequency attached by ClinVar (database versions not stated): ExAC 0.00001; gnomAD exomes 0.00001.
gnomAD v4.1: 3 of 1,614,164 alleles (0.00019%); highest among the groups gnomAD compares: South Asian, 0.0033%; no homozygotes.

Submissions (2):

Centre for Medical Genetics,  Mumbai
Classification: Likely benign for Congenital contractural arachnodactyly. Last evaluated: 2026-04-03. Review status: criteria provided, single submitter. Criteria: ACMG Guidelines, 2015. Collection method: provider interpretation. Allele origin: germline. Inheritance: Autosomal dominant inheritance. Affected: no. Observed: 1 variant allele, 1 heterozygote.
Comment: The variant satisfies PM2 criteria; Extremely low frequency in gnomAD population databases. The variant satisfies PP2 criteria; Missense variant in a gene with low rate of benign missense mutations and for which missense mutation is a common mechanism of a disease. However, the variant satisfies BS2 criteria.

GeneDx
Classification: Uncertain significance. Last evaluated: 2019-07-15. Review status: criteria provided, single submitter. Criteria: GeneDx Variant Classification Process June 2021. Collection method: clinical testing. Allele origin: germline. Affected: yes.
Comment: Has not been previously published as pathogenic or benign to our knowledge; Not observed at a significant frequency in large population cohorts (Lek et al., 2016); In silico analysis, which includes protein predictors and evolutionary conservation, supports a deleterious effect; Does not affect a cysteine residue within a calcium-binding EGF-like domain of the FBN2 gene; cysteine substitutions in the calcium-binding EGF-like domains represent the majority of pathogenic missense changes associated with FBN2-related disorders (Collod-Beroud et al., 2003; Frederic et al., 2009).

Literature cited by the submitters: PubMed 6465201 (cited by Centre for Medical Genetics,  Mumbai).